The following is an entry in ClinVar:

ClinVar aggregate classification (germline): Uncertain significance (1 of 4 stars; one submission).

Conditions:
Hereditary cancer-predisposing syndrome. Also called: Tumor predisposition; Hereditary Cancer Syndrome; Neoplastic Syndromes, Hereditary; Hereditary neoplastic syndrome. Identifiers: Orphanet 140162, MedGen C0027672, MeSH D009386, MONDO:0015356.

Submission:

Ambry Genetics
Classification: Uncertain significance for Hereditary cancer-predisposing syndrome. Last evaluated: 2017-09-23. Review status: criteria provided, single submitter. Criteria: Ambry Variant Classification Scheme 2023. Collection method: clinical testing. Allele origin: germline.
Comment: The p.Y861F variant (also known as c.2582A>T), located in coding exon 16 of the CDH1 gene, results from an A to T substitution at nucleotide position 2582. The tyrosine at codon 861 is replaced by phenylalanine, an amino acid with highly similar properties. This amino acid position is highly conserved through mammals but not in all available vertebrate species. In addition, this alteration is predicted to be tolerated by in silico analysis. Since supporting evidence is limited at this time, the clinical significance of this alteration remains unclear.

NM_004360.5(CDH1):c.2582A>T (p.Tyr861Phe)

Gene: CDH1 (cadherin 1; plus strand). Cytogenetic location: 16q22.1.
Variant type: single nucleotide variant.
Coding change: c.2582A>T on transcript NM_004360.5 (MANE Select); coding-DNA position 2582, A replaced by T.
Protein change: p.Tyr861Phe; replaces tyrosine 861 with phenylalanine.
Molecular consequence: missense variant.
Genome position (GRCh38, 1-based): chr16:68,833,432, A>T. VCF-style: chr16-68833432-A-T. GRCh37 (hg19) VCF-style: chr16-68867335-A-T.
Other names: c.2399A>T, p.Tyr800Phe (NM_001317184.2); c.1034A>T, p.Tyr345Phe (NM_001317185.2); c.617A>T, p.Tyr206Phe (NM_001317186.2); short protein forms Y206F, Y861F, Y800F, Y345F.
Identifiers: ClinVar variation 1793389 (VCV001793389.2), dbSNP rs1961542515, ClinGen allele CA396472567.